The following is an entry in ClinVar:

NM_000466.3(PEX1):c.2701A>C (p.Asn901His)

Gene: PEX1 (peroxisomal biogenesis factor 1; minus strand). Cytogenetic location: 7q21.2.
Variant type: single nucleotide variant.
Coding change: c.2701A>C on transcript NM_000466.3 (MANE Select); coding-DNA position 2701, A replaced by C.
Protein change: p.Asn901His; replaces asparagine 901 with histidine.
Molecular consequence: missense variant.
Genome position (GRCh38, 1-based): chr7:92,499,721, T>G on the plus strand (A>C on the coding strand, the complement: PEX1 is on the minus strand). VCF-style: chr7-92499721-T-G. GRCh37 (hg19) VCF-style: chr7-92129035-T-G.
Other names: c.2530A>C, p.Asn844His (NM_001282677.2); c.2077A>C, p.Asn693His (NM_001282678.2); short protein forms N693H, N844H, N901H.
Identifiers: ClinVar variation 1961389 (VCV001961389.5), dbSNP rs2484655166, ClinGen allele CA368173227.

ClinVar aggregate classification (germline): Uncertain significance (1 of 4 stars; one submission).

Conditions:
Zellweger spectrum disorders (ZS). Also called: Zellweger Spectrum Disorder (ZSD); Zellweger syndrome; Zellweger Spectrum Disorder; Zellweger Spectrum. Identifiers: Orphanet 912, MedGen C0043459, MONDO:0019609.

Submission:

Labcorp Genetics (formerly Invitae), Labcorp
Classification: Uncertain significance for Zellweger spectrum disorders. Last evaluated: 2022-06-08. Review status: criteria provided, single submitter. Criteria: Invitae Variant Classification Sherloc (09022015). Collection method: clinical testing. Allele origin: germline.
Comment: In summary, the available evidence is currently insufficient to determine the role of this variant in disease. Therefore, it has been classified as a Variant of Uncertain Significance. Algorithms developed to predict the effect of missense changes on protein structure and function are either unavailable or do not agree on the potential impact of this missense change (SIFT: "Deleterious"; PolyPhen-2: "Benign"; Align-GVGD: "Class C0"). This variant has not been reported in the literature in individuals affected with PEX1-related conditions. This variant is not present in population databases (gnomAD no frequency). This sequence change replaces asparagine, which is neutral and polar, with histidine, which is basic and polar, at codon 901 of the PEX1 protein (p.Asn901His).